The following is an entry in ClinVar:

NM_177438.3(DICER1):c.5495A>T (p.Gln1832Leu)

Gene: DICER1 (dicer 1, ribonuclease III; minus strand). Cytogenetic location: 14q32.13.
Variant type: single nucleotide variant.
Coding change: c.5495A>T on transcript NM_177438.3 (MANE Select); coding-DNA position 5495, A replaced by T.
Protein change: p.Gln1832Leu; replaces glutamine 1832 with leucine.
Molecular consequence: missense variant. On other transcripts: non-coding transcript variant (6), intron variant (1).
Genome position (GRCh38, 1-based): chr14:95,091,235, T>A on the plus strand (A>T on the coding strand, the complement: DICER1 is on the minus strand). VCF-style: chr14-95091235-T-A. GRCh37 (hg19) VCF-style: chr14-95557572-T-A.
Other names: c.5495A>T, p.Gln1832Leu (NM_001271282.3, NM_001291628.2, NM_001395677.1 and 7 more transcripts); c.5213A>T, p.Gln1738Leu (NM_001395686.1); c.5090A>T, p.Gln1697Leu (NM_001395687.1, NM_001395688.1, NM_001395689.1 and 1 more transcripts); c.4928A>T, p.Gln1643Leu (NM_001395691.1); c.3812A>T, p.Gln1271Leu (NM_001395697.1); c.5365-126A>T (NM_001195573.1); short protein forms Q1271L, Q1697L, Q1738L, Q1643L, Q1832L.
Identifiers: ClinVar variation 3501942 (VCV003501942.1).

ClinVar aggregate classification (germline): Uncertain significance (1 of 4 stars; one submission).

Conditions:
Hereditary cancer-predisposing syndrome. Also called: Tumor predisposition; Neoplastic Syndromes, Hereditary; Hereditary Cancer Syndrome; Hereditary neoplastic syndrome. Identifiers: Orphanet 140162, MedGen C0027672, MeSH D009386, MONDO:0015356.

Submission:

Ambry Genetics
Classification: Uncertain significance for Hereditary cancer-predisposing syndrome. Last evaluated: 2024-11-01. Review status: criteria provided, single submitter. Criteria: Ambry Variant Classification Scheme 2023. Collection method: clinical testing. Allele origin: germline.
Comment: The p.Q1832L variant (also known as c.5495A>T), located in coding exon 24 of the DICER1 gene, results from an A to T substitution at nucleotide position 5495. The glutamine at codon 1832 is replaced by leucine, an amino acid with dissimilar properties. This amino acid position is conserved. In addition, the in silico prediction for this alteration is inconclusive. Based on the available evidence, the clinical significance of this variant remains unclear.